The following is an entry in ClinVar:

NM_000465.4(BARD1):c.252A>G (p.Pro84=)

Gene: BARD1 (BRCA1 associated RING domain 1; minus strand). Cytogenetic location: 2q35.
Variant type: single nucleotide variant.
Coding change: c.252A>G on transcript NM_000465.4 (MANE Select); coding-DNA position 252, A replaced by G.
Protein change: p.Pro84=; no amino-acid change (proline 84 retained).
Molecular consequence: synonymous variant. On other transcripts: non-coding transcript variant (1), intron variant (2).
Genome position (GRCh38, 1-based): chr2:214,792,409, T>C on the plus strand (A>G on the coding strand, the complement: BARD1 is on the minus strand). VCF-style: chr2-214792409-T-C. GRCh37 (hg19) VCF-style: chr2-215657133-T-C.
Other names: c.195A>G, p.Pro65= (NM_001282543.2); c.252A>G, p.Pro84= (NM_001282549.2); c.158+17003A>G (NM_001282548.2); c.215+4652A>G (NM_001282545.2); c.252A>G (NM_000465.2).
Identifiers: ClinVar variation 490961 (VCV000490961.14), dbSNP rs786202670, ClinGen allele CA431142179.

ClinVar aggregate classification (germline): Benign/Likely benign. Review status: criteria provided, multiple submitters, no conflicts (2 of 4 stars). 4 submissions from 4 submitters: Benign (1); Likely benign (3). Last evaluated 2025-07-07.

Conditions:
Hereditary cancer-predisposing syndrome. Also called: Hereditary Cancer Syndrome; Neoplastic Syndromes, Hereditary; Tumor predisposition; Hereditary neoplastic syndrome. Identifiers: Orphanet 140162, MedGen C0027672, MeSH D009386, MONDO:0015356.
Familial cancer of breast. Also called: Hereditary breast cancer; BREAST CANCER, FAMILIAL; hereditary breast carcinoma. Identifiers: Orphanet 227535, MedGen C0346153, MONDO:0016419, OMIM 114480. Disease mechanism: loss of function.

Submissions (4):

Ambry Genetics
Classification: Likely benign for Hereditary cancer-predisposing syndrome. Last evaluated: 2025-07-07. Review status: criteria provided, single submitter. Criteria: Ambry Variant Classification Scheme 2023. Collection method: clinical testing. Allele origin: germline.

Myriad Genetics, Inc.
Classification: Benign for Familial cancer of breast. Last evaluated: 2024-07-19. Review status: criteria provided, single submitter. Criteria: Myriad Autosomal Dominant, Autosomal Recessive and X-Linked Classification Criteria (2023). Collection method: clinical testing. Allele origin: unknown.
Comment: This variant is considered benign. This variant is a silent/synonymous amino acid change and it is not expected to impact splicing.

Labcorp Genetics (formerly Invitae), Labcorp
Classification: Likely benign for Familial cancer of breast. Last evaluated: 2023-10-13. Review status: criteria provided, single submitter. Criteria: Invitae Variant Classification Sherloc (09022015). Collection method: clinical testing. Allele origin: germline.

Color Diagnostics, LLC DBA Color Health
Classification: Likely benign for Hereditary cancer-predisposing syndrome. Last evaluated: 2016-09-05. Review status: criteria provided, single submitter. Criteria: ACMG Guidelines, 2015. Collection method: clinical testing. Allele origin: germline.